The following is an entry in ClinVar:

NM_003837.4(FBP2):c.970G>T (p.Asp324Tyr)

Genes: FBP2 (fructose-bisphosphatase 2; minus strand), PCAT7 (prostate cancer associated transcript 7; plus strand). Cytogenetic location: 9q22.32.
Variant type: single nucleotide variant.
Coding change: c.970G>T on transcript NM_003837.4 (MANE Select); coding-DNA position 970, G replaced by T.
Protein change: p.Asp324Tyr; replaces aspartic acid 324 with tyrosine.
Molecular consequence: missense variant. On other transcripts: non-coding transcript variant (12).
Genome position (GRCh38, 1-based): chr9:94,558,988, C>A on the plus strand (G>T on the coding strand, the complement: FBP2 is on the minus strand). VCF-style: chr9-94558988-C-A. GRCh37 (hg19) VCF-style: chr9-97321270-C-A.
Other names: short protein forms D324Y.
Identifiers: ClinVar variation 3375174 (VCV003375174.1).

ClinVar aggregate classification (germline): Uncertain significance (1 of 4 stars; one submission).

gnomAD v4.1: 11 of 1,614,006 alleles (0.00068%); highest among the groups gnomAD compares: African/African-American, 0.013%; no homozygotes.

Submission:

Women's Health and Genetics/Laboratory Corporation of America, LabCorp
Classification: Uncertain significance. Last evaluated: 2024-09-26. Review status: criteria provided, single submitter. Criteria: LabCorp Variant Classification Summary - May 2015. Collection method: clinical testing. Allele origin: germline.
Comment: Variant summary: FBP2 c.970G>T (p.Asp324Tyr) results in a non-conservative amino acid change located in the Fructose-1-6-bisphosphatase class 1, C-terminal domain (IPR044015) of the encoded protein sequence. Five of five in-silico tools predict a damaging effect of the variant on protein function. The variant allele was found at a frequency of 8e-06 in 251474 control chromosomes. The available data on variant occurrences in the general population are insufficient to allow any conclusion about variant significance. To our knowledge, no occurrence of c.970G>T in individuals affected with Leukodystrophy, Childhood-Onset, Remitting and no experimental evidence demonstrating its impact on protein function have been reported. No submitters have cited clinical-significance assessments for this variant to ClinVar. Based on the evidence outlined above, the variant was classified as uncertain significance.